The following is an entry in ClinVar:

ClinVar aggregate classification (germline): Uncertain significance. Review status: criteria provided, multiple submitters, no conflicts (2 of 4 stars). 2 submissions from 2 submitters: Uncertain significance (2). Last evaluated 2025-01-23.

Conditions:
Inborn genetic diseases. Identifiers: MedGen C0950123, MeSH D030342.

gnomAD v4.1: 22 of 1,605,106 alleles (0.0014%); highest among the groups gnomAD compares: Middle Eastern, 0.049%; no homozygotes.

Submissions (2):

Ambry Genetics
Classification: Uncertain significance for Inborn genetic diseases. Last evaluated: 2025-01-23. Review status: criteria provided, single submitter. Criteria: Ambry Variant Classification Scheme 2023. Collection method: clinical testing. Allele origin: germline.

Labcorp Genetics (formerly Invitae), Labcorp
Classification: Uncertain significance. Last evaluated: 2024-12-15. Review status: criteria provided, single submitter. Criteria: Invitae Variant Classification Sherloc (09022015). Collection method: clinical testing. Allele origin: germline.
Comment: This sequence change replaces proline, which is neutral and non-polar, with threonine, which is neutral and polar, at codon 1076 of the ROBO2 protein (p.Pro1076Thr). This variant is present in population databases (rs776356404, gnomAD 0.03%). This variant has not been reported in the literature in individuals affected with ROBO2-related conditions. ClinVar contains an entry for this variant (Variation ID: 2900590). Invitae Evidence Modeling of protein sequence and biophysical properties (such as structural, functional, and spatial information, amino acid conservation, physicochemical variation, residue mobility, and thermodynamic stability) indicates that this missense variant is not expected to disrupt ROBO2 protein function with a negative predictive value of 95%. In summary, the available evidence is currently insufficient to determine the role of this variant in disease. Therefore, it has been classified as a Variant of Uncertain Significance.

NM_001395656.1(ROBO2):c.3238C>A (p.Pro1080Thr)

Gene: ROBO2 (roundabout guidance receptor 2; plus strand). Cytogenetic location: 3p12.3.
Variant type: single nucleotide variant.
Coding change: c.3238C>A on transcript NM_001395656.1 (MANE Select); coding-DNA position 3238, C replaced by A.
Protein change: p.Pro1080Thr; replaces proline 1080 with threonine.
Molecular consequence: missense variant.
Genome position (GRCh38, 1-based): chr3:77,607,887, C>A. VCF-style: chr3-77607887-C-A. GRCh37 (hg19) VCF-style: chr3-77657038-C-A.
Other names: c.3274C>A, p.Pro1092Thr (NM_001128929.3); c.3238C>A, p.Pro1080Thr (NM_001290039.2, NM_001290040.2); c.1447C>A, p.Pro483Thr (NM_001290065.2); c.3286C>A, p.Pro1096Thr (NM_001378190.1, NM_001378200.1, NM_001378201.1 and 1 more transcripts); c.3412C>A, p.Pro1138Thr (NM_001378191.1, NM_001378195.1, NM_001378196.1); c.3307C>A, p.Pro1103Thr (NM_001378192.1, NM_001378198.1, NM_001378199.1); c.3226C>A, p.Pro1076Thr (NM_001378193.1, NM_002942.5); c.3424C>A, p.Pro1142Thr (NM_001378194.1); and 6 more; short protein forms P1077T, P1080T, P1096T, P1099T, P1138T, P1141T, P1145T, P1076T.
Identifiers: ClinVar variation 2900590 (VCV002900590.4), dbSNP rs776356404, ClinGen allele CA2497578.